The following is an entry in ClinVar:

ClinVar aggregate classification (germline): Uncertain significance (1 of 4 stars; one submission).

Conditions:
Hereditary cancer-predisposing syndrome. Also called: Neoplastic Syndromes, Hereditary; Tumor predisposition; Hereditary Cancer Syndrome; Hereditary neoplastic syndrome. Identifiers: Orphanet 140162, MedGen C0027672, MeSH D009386, MONDO:0015356.

Submission:

Ambry Genetics
Classification: Uncertain significance for Hereditary cancer-predisposing syndrome. Last evaluated: 2026-01-11. Review status: criteria provided, single submitter. Criteria: Ambry Variant Classification Scheme 2023. Collection method: clinical testing. Allele origin: germline.
Comment: The p.V196F variant (also known as c.586G>T), located in coding exon 6 of the EPCAM gene, results from a G to T substitution at nucleotide position 586. The valine at codon 196 is replaced by phenylalanine, an amino acid with highly similar properties. This amino acid position is conserved. In addition, this alteration is predicted to be tolerated by in silico analysis. Based on the available evidence, the clinical significance of this variant remains unclear.

NM_002354.3(EPCAM):c.586G>T (p.Val196Phe)

Gene: EPCAM (epithelial cell adhesion molecule; plus strand). Cytogenetic location: 2p21.
Variant type: single nucleotide variant.
Coding change: c.586G>T on transcript NM_002354.3 (MANE Select); coding-DNA position 586, G replaced by T.
Protein change: p.Val196Phe; replaces valine 196 with phenylalanine.
Molecular consequence: missense variant.
Genome position (GRCh38, 1-based): chr2:47,378,983, G>T. VCF-style: chr2-47378983-G-T. GRCh37 (hg19) VCF-style: chr2-47606122-G-T.
Other names: short protein forms V196F.
Identifiers: ClinVar variation 4843275 (VCV004843275.1).